The following is an entry in ClinVar:

ClinVar aggregate classification (germline): Likely benign (1 of 4 stars; one submission).

Submission:

CeGaT Center for Human Genetics Tuebingen
Classification: Likely benign. Last evaluated: 2026-07-01. Review status: criteria provided, single submitter. Criteria: CeGaT Center For Human Genetics Tuebingen Variant Classification Criteria Version 2. Collection method: clinical testing. Allele origin: germline. Affected: yes. Observed: 1 variant allele.
Comment: PLXNB2: BP4, BP7

NM_012401.4(PLXNB2):c.2766G>A (p.Thr922=)

Genes: PLXNB2 (plexin B2; minus strand), LOC126863184 (MED14-independent group 3 enhancer GRCh37_chr22:50720546-50721745; plus strand). Cytogenetic location: 22q13.33.
Variant type: single nucleotide variant.
Coding change: c.2766G>A on transcript NM_012401.4 (MANE Select); coding-DNA position 2766, G replaced by A.
Protein change: p.Thr922=; no amino-acid change (threonine 922 retained).
Molecular consequence: synonymous variant.
Genome position (GRCh38, 1-based): chr22:50,283,100, C>T on the plus strand (G>A on the coding strand, the complement: PLXNB2 is on the minus strand). VCF-style: chr22-50283100-C-T. GRCh37 (hg19) VCF-style: chr22-50721529-C-T.
Other names: c.2766G>A, p.Thr922= (NM_001376869.1, NM_001376870.1, NM_001376871.1 and 18 more transcripts); c.2673G>A, p.Thr891= (NM_001376886.1); c.2835G>A, p.Thr945= (NM_001376865.1).
Identifiers: ClinVar variation 5038903 (VCV005038903.1).